The following is an entry in ClinVar:

NM_001378454.1(ALMS1):c.5348T>C (p.Leu1783Pro)

Gene: ALMS1 (ALMS1 centrosome and basal body associated protein; plus strand). Cytogenetic location: 2p13.1.
Variant type: single nucleotide variant.
Coding change: c.5348T>C on transcript NM_001378454.1 (MANE Select); coding-DNA position 5348, T replaced by C.
Protein change: p.Leu1783Pro; replaces leucine 1783 with proline.
Molecular consequence: missense variant.
Genome position (GRCh38, 1-based): chr2:73,451,875, T>C. VCF-style: chr2-73451875-T-C. GRCh37 (hg19) VCF-style: chr2-73679002-T-C.
Other names: c.5351T>C, p.Leu1784Pro (NM_015120.4); short protein forms L1784P, L1783P.
Identifiers: ClinVar variation 1446732 (VCV001446732.4), dbSNP rs1188079304, ClinGen allele CA347281055.

ClinVar aggregate classification (germline): Uncertain significance. Review status: criteria provided, multiple submitters, no conflicts (2 of 4 stars). 2 submissions from 2 submitters: Uncertain significance (2). Last evaluated 2022-03-12.

Conditions:
Alstrom syndrome (ALMS). Identifiers: Orphanet 64, MedGen C0268425, MONDO:0008763, OMIM 203800.

Allele frequency attached by ClinVar (database versions not stated): gnomAD 0.00001; gnomAD exomes 0.00001.
gnomAD v4.1: 13 of 1,613,726 alleles (0.00081%); highest among the groups gnomAD compares: Non-Finnish European, 0.0011%; no homozygotes.

Submissions (2):

Labcorp Genetics (formerly Invitae), Labcorp
Classification: Uncertain significance for Alstrom syndrome. Last evaluated: 2022-03-12. Review status: criteria provided, single submitter. Criteria: Invitae Variant Classification Sherloc (09022015). Collection method: clinical testing. Allele origin: germline.
Comment: This sequence change replaces leucine, which is neutral and non-polar, with proline, which is neutral and non-polar, at codon 1784 of the ALMS1 protein (p.Leu1784Pro). The frequency data for this variant in the population databases is considered unreliable, as metrics indicate poor data quality at this position in the gnomAD database. This variant has not been reported in the literature in individuals affected with ALMS1-related conditions. Experimental studies and prediction algorithms are not available or were not evaluated, and the functional significance of this variant is currently unknown. In summary, the available evidence is currently insufficient to determine the role of this variant in disease. Therefore, it has been classified as a Variant of Uncertain Significance.

Fulgent Genetics
Classification: Uncertain significance for Alstrom syndrome. Last evaluated: 2021-12-28. Review status: criteria provided, single submitter. Criteria: ACMG Guidelines, 2015. Collection method: clinical testing. Allele origin: unknown.